The following is an entry in ClinVar:

ClinVar aggregate classification (germline): Conflicting classifications of pathogenicity. Review status: criteria provided, conflicting classifications (1 of 4 stars). 4 submissions from 4 submitters: Likely pathogenic (2); Uncertain significance (1). 1 of the submissions does not count toward it. Last evaluated 2020-05-05.

Conditions:
Mitochondrial disease. Also called: Mitochondrial disorder; Mitochondrial disorders. Identifiers: Orphanet 68380, MedGen C0751651, MeSH D028361, MONDO:0044970.
Progressive external ophthalmoplegia with mitochondrial DNA deletions, autosomal dominant 3. Also called: PROGRESSIVE EXTERNAL OPHTHALMOPLEGIA, AUTOSOMAL DOMINANT 3. Identifiers: MedGen C1836439, MONDO:0012241, OMIM 609286.

gnomAD v4.1: 3 of 1,614,182 alleles (0.00019%); highest among the groups gnomAD compares: Non-Finnish European, 0.00017%; no homozygotes.

Submissions (4):

Baylor Genetics
Classification: Likely pathogenic for Progressive external ophthalmoplegia with mitochondrial DNA deletions, autosomal dominant 3. Last evaluated: 2020-05-05. Review status: criteria provided, single submitter. Criteria: ACMG Guidelines, 2015. Collection method: clinical testing. Allele origin: unknown. Affected: yes.
Comment: This variant was determined to be likely pathogenic according to ACMG Guidelines, 2015 [PMID:25741868].

CeGaT Center for Human Genetics Tuebingen
Classification: Uncertain significance. Last evaluated: 2016-09-01. Review status: criteria provided, single submitter. Criteria: CeGaT Center For Human Genetics Tuebingen Variant Classification Criteria Version 2. Collection method: clinical testing. Allele origin: germline. Affected: yes. Observed: 1 variant allele.

GeneDx
Classification: Likely pathogenic. Last evaluated: 2016-03-22. Review status: criteria provided, single submitter. Criteria: GeneDx Variant Classification (06012015). Collection method: clinical testing. Allele origin: germline. Affected: yes.
Comment: The P335T variant has not been published as a pathogenic variant, nor has it been reported as a benign variant to our knowledge. The P335T variant was not observed in approximately 6500 individuals of European and African American ancestry in the NHLBI Exome Sequencing Project, indicating it is not a common benign variant in these populations. The P335T variant is a non-conservative amino acid substitution, which is likely to impact secondary protein structure as these residues differ in polarity, charge, size and/or other properties. This substitution occurs at a position that is conserved across species. In silico analysis is inconsistent in its predictions as to whether or not the variant is damaging to the protein structure/function. Missense variants in nearby residues (R334P, R334Q) and the same residue (P335L) have been reported in the Human Gene Mutation Database in association with progressive external ophthalmoplegia (Stenson et al., 2014), supporting the functional importance of this region of the protein. Therefore, this variant is likely pathogenic; however, the possibility that it is benign cannot be excluded.

Mitochondrial Research Group, Newcastle University
Classification: Pathogenic for Mitochondrial disease. Last evaluated: 2017-04-07. Review status: no assertion criteria provided. Collection method: clinical testing. Allele origin: germline. Affected: yes. Observed: 1 variant allele. Not counted in ClinVar's aggregate classification.

Literature cited by the submitters: PubMed 28812649 (cited by Mitochondrial Research Group, Newcastle University).

NM_021830.5(TWNK):c.1003C>A (p.Pro335Thr)

Gene: TWNK (twinkle mtDNA helicase; plus strand). Cytogenetic location: 10q24.31.
Variant type: single nucleotide variant.
Coding change: c.1003C>A on transcript NM_021830.5 (MANE Select); coding-DNA position 1003, C replaced by A.
Protein change: p.Pro335Thr; replaces proline 335 with threonine.
Molecular consequence: missense variant. On other transcripts: non-coding transcript variant (4), intron variant (3).
Genome position (GRCh38, 1-based): chr10:100,989,213, C>A. VCF-style: chr10-100989213-C-A. GRCh37 (hg19) VCF-style: chr10-102748970-C-A.
Other names: c.1003C>A, p.Pro335Thr (NM_001163812.2); c.-119-431C>A (NM_001163814.2, NM_001163813.2); c.-57-493C>A (NM_001368275.1); short protein forms P335T.
Identifiers: ClinVar variation 426102 (VCV000426102.46), dbSNP rs1554887028, ClinGen allele CA378209644.